The following is an entry in ClinVar:

NM_012472.6(DNAAF11):c.949A>G (p.Ile317Val)

Gene: DNAAF11 (dynein axonemal assembly factor 11; minus strand). Cytogenetic location: 8q24.22.
Variant type: single nucleotide variant.
Coding change: c.949A>G on transcript NM_012472.6 (MANE Select); coding-DNA position 949, A replaced by G.
Protein change: p.Ile317Val; replaces isoleucine 317 with valine.
Molecular consequence: missense variant. On other transcripts: non-coding transcript variant (9), intron variant (2).
Genome position (GRCh38, 1-based): chr8:132,615,063, T>C on the plus strand (A>G on the coding strand, the complement: DNAAF11 is on the minus strand). VCF-style: chr8-132615063-T-C. GRCh37 (hg19) VCF-style: chr8-133627309-T-C.
Other names: c.949A>G (NM_012472.3, NM_012472.5); c.703A>G, p.Ile235Val (NM_001321962.2); c.589A>G, p.Ile197Val (NM_001321963.2, NM_001321964.2, NM_001321965.2); c.915-3700A>G (NM_001321961.2); c.555-3700A>G (NM_001321966.2); short protein forms I317V, I197V, I235V.
Identifiers: ClinVar variation 473109 (VCV000473109.9), dbSNP rs146067670, ClinGen allele CA4881242.

ClinVar aggregate classification (germline): Conflicting classifications of pathogenicity. Review status: criteria provided, conflicting classifications (1 of 4 stars). 4 submissions from 4 submitters: Uncertain significance (2); Likely benign (2). Last evaluated 2024-12-27.

Conditions:
DNAAF11-related disorder. Also called: DNAAF11-related condition.
Primary ciliary dyskinesia. Also called: Ciliary dyskinesia. Identifiers: Orphanet 244, MedGen C0008780, MONDO:0016575, HP:0012265.
Primary ciliary dyskinesia 19. Also called: CILIARY DYSKINESIA, PRIMARY, 19, WITH OR WITHOUT SITUS INVERSUS. Identifiers: Orphanet 244, MedGen C3543826, MONDO:0013979, OMIM 614935.

Allele frequency attached by ClinVar (database versions not stated): gnomAD 0.00046 and 0.00053; 1000 Genomes Project 30x 0.00047; TOPMed 0.00059; ESP Exome Variant Server 0.00077; gnomAD exomes 0.00004 and 0.00010; ExAC 0.00016; 1000 Genomes Project 0.00040.
gnomAD v4.1: 139 of 1,607,734 alleles (0.0086%); highest among the groups gnomAD compares: African/African-American, 0.17%; no homozygotes.

Submissions (4):

PreventionGenetics, part of Exact Sciences
Classification: Likely benign for DNAAF11-related condition. Last evaluated: 2024-12-27. Review status: criteria provided, single submitter. Criteria: ACMG Guidelines, 2015. Collection method: clinical testing. Allele origin: germline.
Comment: This variant is classified as likely benign based on ACMG/AMP sequence variant interpretation guidelines (Richards et al. 2015 PMID: 25741868, with internal and published modifications).

Blueprint Genetics
Classification: Uncertain significance. Last evaluated: 2024-06-11. Review status: criteria provided, single submitter. Criteria: ACMG Guidelines, 2015. Collection method: clinical testing. Allele origin: germline.

Ambry Genetics
Classification: Likely benign for Primary ciliary dyskinesia. Last evaluated: 2023-07-05. Review status: criteria provided, single submitter. Criteria: Ambry Variant Classification Scheme 2023. Collection method: clinical testing. Allele origin: germline.

Labcorp Genetics (formerly Invitae), Labcorp
Classification: Uncertain significance for Primary ciliary dyskinesia 19. Last evaluated: 2022-09-07. Review status: criteria provided, single submitter. Criteria: Invitae Variant Classification Sherloc (09022015). Collection method: clinical testing. Allele origin: germline.
Comment: This sequence change replaces isoleucine, which is neutral and non-polar, with valine, which is neutral and non-polar, at codon 317 of the LRRC6 protein (p.Ile317Val). This variant is present in population databases (rs146067670, gnomAD 0.1%). This variant has not been reported in the literature in individuals affected with LRRC6-related conditions. ClinVar contains an entry for this variant (Variation ID: 473109). Algorithms developed to predict the effect of missense changes on protein structure and function (SIFT, PolyPhen-2, Align-GVGD) all suggest that this variant is likely to be tolerated. Algorithms developed to predict the effect of sequence changes on RNA splicing suggest that this variant may create or strengthen a splice site. In summary, the available evidence is currently insufficient to determine the role of this variant in disease. Therefore, it has been classified as a Variant of Uncertain Significance.